The following is an entry in ClinVar:

NM_004239.4(TRIP11):c.3714G>A (p.Glu1238=)

Gene: TRIP11 (thyroid hormone receptor interactor 11; minus strand). Cytogenetic location: 14q32.12.
Variant type: single nucleotide variant.
Coding change: c.3714G>A on transcript NM_004239.4 (MANE Select); coding-DNA position 3714, G replaced by A.
Protein change: p.Glu1238=; no amino-acid change (glutamic acid 1238 retained).
Molecular consequence: synonymous variant.
Genome position (GRCh38, 1-based): chr14:92,004,262, C>T on the plus strand (G>A on the coding strand, the complement: TRIP11 is on the minus strand). VCF-style: chr14-92004262-C-T. GRCh37 (hg19) VCF-style: chr14-92470606-C-T.
Other names: c.3711G>A, p.Glu1237= (NM_001321851.1).
Identifiers: ClinVar variation 314947 (VCV000314947.27), dbSNP rs34919898, ClinGen allele CA7313586.
Genomic context (GRCh38, chr14:92,004,262, plus strand): 5'-ATCACTGTCAACCAAAACCTGTGCTTGAAGTTGGTGAAGCTCTTCCTGAAGCTGGGCTGA[C>T]TCGTGTTGCATATTTTGTACTGTGGTCATCACCTGCTGCTTCCACTCTTCCATTTTCTTT-3'
Protein context (NP_004230.2, residues 1228-1248): VMTTVQNMQH[Glu1238=]SAQLQEELHQ

ClinVar aggregate classification (germline): Benign. Review status: criteria provided, multiple submitters, no conflicts (2 of 4 stars). 7 submissions from 7 submitters: Benign (7). Last evaluated 2026-05-11.

Conditions:
Achondrogenesis, type IA (ACG1A). Identifiers: Orphanet 932, Orphanet 93299, MedGen C0265273, MONDO:0008701, OMIM 200600.
Connective tissue disorder. Also called: Connective tissue disease. Identifiers: MedGen C0009782, MONDO:0003900.

Allele frequency attached by ClinVar (database versions not stated): gnomAD exomes 0.00115 and 0.00270; TOPMed 0.01149; 1000 Genomes Project 0.01438; gnomAD 0.01101 and 0.01045; 1000 Genomes Project 30x 0.01530; ESP Exome Variant Server 0.01076; ExAC 0.00328.
gnomAD v4.1: 3,360 of 1,614,064 alleles (0.21%); highest among the groups gnomAD compares: African/African-American, 3.8%; 38 homozygotes.

Submissions (7):

Women's Health and Genetics/Laboratory Corporation of America, LabCorp
Classification: Benign. Last evaluated: 2026-05-11. Review status: criteria provided, single submitter. Criteria: LabCorp Variant Classification Summary - May 2015. Collection method: clinical testing. Allele origin: germline.

Labcorp Genetics (formerly Invitae), Labcorp
Classification: Benign for Achondrogenesis, type IA. Last evaluated: 2026-01-28. Review status: criteria provided, single submitter. Criteria: Invitae Variant Classification Sherloc (09022015). Collection method: clinical testing. Allele origin: germline.

ARUP Laboratories, Molecular Genetics and Genomics, ARUP Laboratories
Classification: Benign. Last evaluated: 2023-11-06. Review status: criteria provided, single submitter. Criteria: ARUP Molecular Germline Variant Investigation Process 2024. Collection method: clinical testing. Allele origin: germline.

Genome Diagnostics Laboratory, The Hospital for Sick Children
Classification: Benign for Connective tissue disorder. Last evaluated: 2021-06-18. Review status: criteria provided, single submitter. Criteria: ACMG Guidelines, 2015. Collection method: clinical testing. Allele origin: germline.

Illumina Laboratory Services, Illumina
Classification: Benign for Achondrogenesis, type IA. Last evaluated: 2018-01-13. Review status: criteria provided, single submitter. Criteria: ICSL Variant Classification Criteria 13 December 2019. Collection method: clinical testing. Allele origin: germline.
Comment: This variant was observed in the ICSL laboratory as part of a predisposition screen in an ostensibly healthy population. It had not been previously curated by ICSL or reported in the Human Gene Mutation Database (HGMD: prior to June 1st, 2018), and was therefore a candidate for classification through an automated scoring system. Utilizing variant allele frequency, disease prevalence and penetrance estimates, and inheritance mode, an automated score was calculated to assess if this variant is too frequent to cause the disease. Based on the score and internal cut-off values, a variant classified as benign is not then subjected to further curation. The score for this variant resulted in a classification of benign for this disease.

GeneDx
Classification: Benign. Last evaluated: 2016-10-31. Review status: criteria provided, single submitter. Criteria: GeneDx Variant Classification (06012015). Collection method: clinical testing. Allele origin: germline. Affected: yes.
Comment: This variant is considered likely benign or benign based on one or more of the following criteria: it is a conservative change, it occurs at a poorly conserved position in the protein, it is predicted to be benign by multiple in silico algorithms, and/or has population frequency not consistent with disease.

Breakthrough Genomics
Classification: Benign. Review status: criteria provided, single submitter. Criteria: ACMG Guidelines, 2015. Collection method: not provided. Allele origin: germline. Inheritance: Autosomal recessive inheritance. Affected: yes.